The following is an entry in ClinVar:

ClinVar aggregate classification (germline): Pathogenic (1 of 4 stars; one submission).

Conditions:
Juvenile polyposis syndrome (JPS). Identifiers: Orphanet 2929, MedGen C0345893, MONDO:0017380, OMIM 174900.

Submission:

Labcorp Genetics (formerly Invitae), Labcorp
Classification: Pathogenic for Juvenile polyposis syndrome. Last evaluated: 2022-09-16. Review status: criteria provided, single submitter. Criteria: Invitae Variant Classification Sherloc (09022015). Collection method: clinical testing. Allele origin: germline.
Comment: This variant has not been reported in the literature in individuals affected with SMAD4-related conditions. This sequence change creates a premature translational stop signal (p.Leu381*) in the SMAD4 gene. It is expected to result in an absent or disrupted protein product. Loss-of-function variants in SMAD4 are known to be pathogenic (PMID: 16152648, 16436638, 22810475). This variant is not present in population databases (gnomAD no frequency). ClinVar contains an entry for this variant (Variation ID: 216093). Algorithms developed to predict the effect of sequence changes on RNA splicing suggest that this variant may create or strengthen a splice site. For these reasons, this variant has been classified as Pathogenic.

Literature cited by the submitters: PubMed 16152648; PubMed 16436638; PubMed 22810475.

NM_005359.6(SMAD4):c.1142T>A (p.Leu381Ter)

Gene: SMAD4 (SMAD family member 4; plus strand). Cytogenetic location: 18q21.2.
Variant type: single nucleotide variant.
Coding change: c.1142T>A on transcript NM_005359.6 (MANE Select); coding-DNA position 1142, T replaced by A.
Protein change: p.Leu381Ter; replaces leucine 381 with a stop codon.
Molecular consequence: nonsense.
Genome position (GRCh38, 1-based): chr18:51,067,021, T>A. VCF-style: chr18-51067021-T-A. GRCh37 (hg19) VCF-style: chr18-48593391-T-A.
Other names: short protein forms L381*.
Identifiers: ClinVar variation 216093 (VCV000216093.9), dbSNP rs863224507, ClinGen allele CA339552.